The following is an entry in ClinVar:

ClinVar aggregate classification (germline): Benign (1 of 4 stars; one submission).

Conditions:
Acrodysostosis 2 with or without hormone resistance. Also called: ACRODYSOSTOSIS 2 WITH HORMONE RESISTANCE; ACRODYSOSTOSIS 2 WITHOUT HORMONE RESISTANCE. Identifiers: Orphanet 280651, MedGen C3553250, MONDO:0013822, OMIM 614613.

Allele frequency attached by ClinVar (database versions not stated): 1000 Genomes Project 0.00060; gnomAD 0.00071 and 0.00073; 1000 Genomes Project 30x 0.00094; TOPMed 0.00110.

Submission:

Illumina Laboratory Services, Illumina
Classification: Benign for Acrodysostosis 2 with or without hormone resistance. Last evaluated: 2018-01-13. Review status: criteria provided, single submitter. Criteria: ICSL Variant Classification Criteria 13 December 2019. Collection method: clinical testing. Allele origin: germline.
Comment: This variant was observed in the ICSL laboratory as part of a predisposition screen in an ostensibly healthy population. It had not been previously curated by ICSL or reported in the Human Gene Mutation Database (HGMD: prior to June 1st, 2018), and was therefore a candidate for classification through an automated scoring system. Utilizing variant allele frequency, disease prevalence and penetrance estimates, and inheritance mode, an automated score was calculated to assess if this variant is too frequent to cause the disease. Based on the score and internal cut-off values, a variant classified as benign is not then subjected to further curation. The score for this variant resulted in a classification of benign for this disease.

NM_001104631.2(PDE4D):c.*831A>C

Gene: PDE4D (phosphodiesterase 4D; minus strand). Cytogenetic location: 5q11.2.
Variant type: single nucleotide variant.
Coding change: c.*831A>C on transcript NM_001104631.2 (MANE Select); 831 bases downstream of the stop codon, A replaced by C.
Molecular consequence: 3 prime UTR variant.
Genome position (GRCh38, 1-based): chr5:58,973,833, T>G on the plus strand (A>C on the coding strand, the complement: PDE4D is on the minus strand). VCF-style: chr5-58973833-T-G. GRCh37 (hg19) VCF-style: chr5-58269660-T-G.
Other names: c.*831A>C (NM_001165899.2, NM_001197218.2, NM_001197219.2 and 11 more transcripts).
Identifiers: ClinVar variation 353974 (VCV000353974.5), dbSNP rs369129936, ClinGen allele CA10625037.
Genomic context (GRCh38, chr5:58,973,833, plus strand): 5'-ATGCAAAGTAAATAATAAAGACTTACAAAAAGGGTTTCCTGCAACATAAAGTTGTTTTTC[T>G]CTTTTAAAATATGGAAGTCATTGGTATATAAAACAAACAATGAATCACTACAAATCAGTT-3'